The following is an entry in ClinVar:

NM_015450.3(POT1):c.1594+1G>A

Gene: POT1 (protection of telomeres 1; minus strand). Cytogenetic location: 7q31.33.
Variant type: single nucleotide variant.
Coding change: c.1594+1G>A on transcript NM_015450.3 (MANE Select); the canonical splice donor site of the intron after coding-DNA position 1594, G replaced by A.
Molecular consequence: splice donor variant.
Genome position (GRCh38, 1-based): chr7:124,829,253, C>T on the plus strand (G>A on the coding strand, the complement: POT1 is on the minus strand). VCF-style: chr7-124829253-C-T. GRCh37 (hg19) VCF-style: chr7-124469307-C-T.
Other names: c.1201+1G>A (NM_001042594.2).
Identifiers: ClinVar variation 842777 (VCV000842777.8), dbSNP rs1794702760, ClinGen allele CA369064254.

ClinVar aggregate classification (germline): Likely pathogenic (1 of 4 stars; one submission).

Conditions:
Tumor predisposition syndrome 3 (TPDS3). Also called: Glioma susceptibility 9; LONG TELOMERE SYNDROME, POT1-RELATED; POT1 Tumor Predisposition; Melanoma, cutaneous malignant, susceptibility to, 10. Identifiers: Orphanet 618, MedGen C4014476, MONDO:0014368, OMIM 615848.

Submission:

Labcorp Genetics (formerly Invitae), Labcorp
Classification: Likely pathogenic for Tumor predisposition syndrome 3. Last evaluated: 2021-09-02. Review status: criteria provided, single submitter. Criteria: Invitae Variant Classification Sherloc (09022015). Collection method: clinical testing. Allele origin: germline.
Comment: This sequence change affects a donor splice site in intron 16 of the POT1 gene. It is expected to disrupt RNA splicing. Variants that disrupt the donor or acceptor splice site typically lead to a loss of protein function (PMID: 16199547), and loss-of-function variants in POT1 are known to be pathogenic (PMID: 32155570). This variant is not present in population databases (ExAC no frequency). This variant has not been reported in the literature in individuals affected with POT1-related conditions. Algorithms developed to predict the effect of sequence changes on RNA splicing suggest that this variant may disrupt the consensus splice site. ClinVar contains an entry for this variant (Variation ID: 842777). In summary, the currently available evidence indicates that the variant is pathogenic, but additional data are needed to prove that conclusively. Therefore, this variant has been classified as Likely Pathogenic.

Literature cited by the submitters: PubMed 16199547; PubMed 32155570.